The following is an entry in ClinVar:

NM_014334.4(FRRS1L):c.190G>C (p.Gly64Arg)

Gene: FRRS1L (ferric chelate reductase 1 like; minus strand). Cytogenetic location: 9q31.3.
Variant type: single nucleotide variant.
Coding change: c.190G>C on transcript NM_014334.4 (MANE Select); coding-DNA position 190, G replaced by C.
Protein change: p.Gly64Arg; replaces glycine 64 with arginine.
Molecular consequence: missense variant.
Genome position (GRCh38, 1-based): chr9:109,166,949, C>G on the plus strand (G>C on the coding strand, the complement: FRRS1L is on the minus strand). VCF-style: chr9-109166949-C-G. GRCh37 (hg19) VCF-style: chr9-111929229-C-G.
Other names: c.343G>C (NM_014334.3); short protein forms G64R.
Identifiers: ClinVar variation 542866 (VCV000542866.11), dbSNP rs936685159, ClinGen allele CA197584924.

ClinVar aggregate classification (germline): Uncertain significance. Review status: criteria provided, multiple submitters, no conflicts (2 of 4 stars). 5 submissions from 5 submitters: Uncertain significance (5). Last evaluated 2024-12-19.

Conditions:
Inborn genetic diseases. Identifiers: MedGen C0950123, MeSH D030342.
Developmental and epileptic encephalopathy, 37 (DEE37). Also called: Epileptic encephalopathy, early infantile, 37. Identifiers: MedGen C4310770, MONDO:0014859, OMIM 616981.

Allele frequency attached by ClinVar (database versions not stated): gnomAD exomes 0.00001; gnomAD 0.00004; TOPMed 0.00008; 1000 Genomes Project 30x 0.00062.
gnomAD v4.1: 14 of 1,363,442 alleles (0.001%); highest among the groups gnomAD compares: African/African-American, 0.015%; no homozygotes.

Submissions (5):

GeneDx
Classification: Uncertain significance. Last evaluated: 2024-12-19. Review status: criteria provided, single submitter. Criteria: GeneDx Variant Classification Process June 2021. Collection method: clinical testing. Allele origin: germline. Affected: yes.
Comment: In silico analysis supports that this missense variant has a deleterious effect on protein structure/function; Has not been previously published as pathogenic or benign to our knowledge

Ambry Genetics
Classification: Uncertain significance for Inborn genetic diseases. Last evaluated: 2024-03-31. Review status: criteria provided, single submitter. Criteria: Ambry Variant Classification Scheme 2023. Collection method: clinical testing. Allele origin: germline.

Labcorp Genetics (formerly Invitae), Labcorp
Classification: Uncertain significance for Developmental and epileptic encephalopathy, 37. Last evaluated: 2022-06-13. Review status: criteria provided, single submitter. Criteria: Invitae Variant Classification Sherloc (09022015). Collection method: clinical testing. Allele origin: germline.
Comment: This sequence change replaces glycine, which is neutral and non-polar, with arginine, which is basic and polar, at codon 115 of the FRRS1L protein (p.Gly115Arg). The frequency data for this variant in the population databases is considered unreliable, as metrics indicate poor data quality at this position in the gnomAD database. This variant has not been reported in the literature in individuals affected with FRRS1L-related conditions. ClinVar contains an entry for this variant (Variation ID: 542866). Algorithms developed to predict the effect of missense changes on protein structure and function (SIFT, PolyPhen-2, Align-GVGD) all suggest that this variant is likely to be tolerated. In summary, the available evidence is currently insufficient to determine the role of this variant in disease. Therefore, it has been classified as a Variant of Uncertain Significance.

Baylor Genetics
Classification: Uncertain significance for Developmental and epileptic encephalopathy, 37. Last evaluated: 2022-02-14. Review status: criteria provided, single submitter. Criteria: ACMG Guidelines, 2015. Collection method: clinical testing. Allele origin: unknown.

New York Genome Center
Classification: Uncertain significance for Developmental and epileptic encephalopathy, 37. Last evaluated: 2019-09-17. Review status: criteria provided, single submitter. Criteria: NYGC Assertion Criteria 2020. Collection method: clinical testing. Allele origin: germline. Inheritance: Autosomal recessive inheritance. Observed: 1 heterozygote. Study: CSER-NYCKidSeq.